The following is an entry in ClinVar:

NM_005236.3(ERCC4):c.1853G>T (p.Arg618Leu)

Gene: ERCC4 (ERCC excision repair 4, endonuclease catalytic subunit; plus strand). Cytogenetic location: 16p13.12.
Variant type: single nucleotide variant.
Coding change: c.1853G>T on transcript NM_005236.3 (MANE Select); coding-DNA position 1853, G replaced by T.
Protein change: p.Arg618Leu; replaces arginine 618 with leucine.
Molecular consequence: missense variant.
Genome position (GRCh38, 1-based): chr16:13,937,807, G>T. VCF-style: chr16-13937807-G-T. GRCh37 (hg19) VCF-style: chr16-14031664-G-T.
Other names: short protein forms R618L.
Identifiers: ClinVar variation 2170384 (VCV002170384.4), dbSNP rs760922582, ClinGen allele CA394814057.

ClinVar aggregate classification (germline): Uncertain significance (1 of 4 stars; one submission).

Conditions:
Cockayne syndrome. Identifiers: Orphanet 191, MedGen C0009207, MONDO:0016006.
Xeroderma pigmentosum, group F (XPF). Also called: ERCC4-Related Xeroderma Pigmentosum; XERODERMA PIGMENTOSUM, COMPLEMENTATION GROUP F; XERODERMA PIGMENTOSUM VI; XP, GROUP F; XERODERMA PIGMENTOSUM, TYPE F; Xeroderma pigmentosum, type 6. Identifiers: MedGen C0268140, MONDO:0010215, OMIM 278760.
Fanconi anemia complementation group Q. Identifiers: Orphanet 84, MedGen C3808988, MONDO:0014108, OMIM 615272.

gnomAD v4.1: 12 of 1,613,490 alleles (0.00074%); highest among the groups gnomAD compares: Non-Finnish European, 0.00059%; no homozygotes.

Submission:

Labcorp Genetics (formerly Invitae), Labcorp
Classification: Uncertain significance for Fanconi anemia complementation group Q; Xeroderma pigmentosum, group F; Cockayne syndrome. Last evaluated: 2025-02-11. Review status: criteria provided, single submitter. Criteria: Invitae Variant Classification Sherloc (09022015). Collection method: clinical testing. Allele origin: germline.
Comment: This sequence change replaces arginine, which is basic and polar, with leucine, which is neutral and non-polar, at codon 618 of the ERCC4 protein (p.Arg618Leu). This variant is present in population databases (no rsID available, gnomAD 0.09%). This variant has not been reported in the literature in individuals affected with ERCC4-related conditions. ClinVar contains an entry for this variant (Variation ID: 2170384). Invitae Evidence Modeling of protein sequence and biophysical properties (such as structural, functional, and spatial information, amino acid conservation, physicochemical variation, residue mobility, and thermodynamic stability) has been performed for this missense variant. However, the output from this modeling did not meet the statistical confidence thresholds required to predict the impact of this variant on ERCC4 protein function. In summary, the available evidence is currently insufficient to determine the role of this variant in disease. Therefore, it has been classified as a Variant of Uncertain Significance.